The following is an entry in ClinVar:

ClinVar aggregate classification (germline): Uncertain significance (1 of 4 stars; one submission).

Conditions:
PKD1-related disorder. Also called: PKD1-related condition.

Submission:

PreventionGenetics, part of Exact Sciences
Classification: Uncertain significance for PKD1-related condition. Last evaluated: 2025-05-22. Review status: criteria provided, single submitter. Criteria: ACMG Guidelines, 2015. Collection method: clinical testing. Allele origin: germline.
Comment: The PKD1 c.11959G>C variant is predicted to result in the amino acid substitution p.Ala3987Pro. To our knowledge, this variant has not been reported in the literature or in a large population database (gnomAD), indicating this variant is rare. At this time, the clinical significance of this variant is uncertain due to the absence of conclusive functional and genetic evidence.

NM_001009944.3(PKD1):c.11959G>C (p.Ala3987Pro)

Gene: PKD1 (polycystin 1, transient receptor potential channel interacting; minus strand). Cytogenetic location: 16p13.3.
Variant type: single nucleotide variant.
Coding change: c.11959G>C on transcript NM_001009944.3 (MANE Select); coding-DNA position 11959, G replaced by C.
Protein change: p.Ala3987Pro; replaces alanine 3987 with proline.
Molecular consequence: missense variant.
Genome position (GRCh38, 1-based): chr16:2,090,928, C>G on the plus strand (G>C on the coding strand, the complement: PKD1 is on the minus strand). VCF-style: chr16-2090928-C-G. GRCh37 (hg19) VCF-style: chr16-2140929-C-G.
Other names: c.11956G>C, p.Ala3986Pro (NM_000296.4); short protein forms A3987P, A3986P.
Identifiers: ClinVar variation 4983764 (VCV004983764.1).